The following is an entry in ClinVar:

NM_001145809.2(MYH14):c.1742C>T (p.Ala581Val)

Gene: MYH14 (myosin heavy chain 14; plus strand). Cytogenetic location: 19q13.33.
Variant type: single nucleotide variant.
Coding change: c.1742C>T on transcript NM_001145809.2 (MANE Select); coding-DNA position 1742, C replaced by T.
Protein change: p.Ala581Val; replaces alanine 581 with valine.
Molecular consequence: missense variant.
Genome position (GRCh38, 1-based): chr19:50,250,600, C>T. VCF-style: chr19-50250600-C-T. GRCh37 (hg19) VCF-style: chr19-50753857-C-T.
Other names: c.1742C>T, p.Ala581Val (NM_001077186.2); c.1718C>T, p.Ala573Val (NM_024729.4); short protein forms A581V, A573V.
Identifiers: ClinVar variation 2783782 (VCV002783782.3), dbSNP rs2514362112, ClinGen allele CA406960105.

ClinVar aggregate classification (germline): Uncertain significance (1 of 4 stars; one submission).

Allele frequency attached by ClinVar (database versions not stated): gnomAD exomes below 0.00001.
gnomAD v4.1: 2 of 1,614,010 alleles (0.00012%); highest among the groups gnomAD compares: Non-Finnish European, 0.00017%; no homozygotes.

Submission:

Labcorp Genetics (formerly Invitae), Labcorp
Classification: Uncertain significance. Last evaluated: 2024-05-31. Review status: criteria provided, single submitter. Criteria: Invitae Variant Classification Sherloc (09022015). Collection method: clinical testing. Allele origin: germline.
Comment: This sequence change replaces alanine, which is neutral and non-polar, with valine, which is neutral and non-polar, at codon 573 of the MYH14 protein (p.Ala573Val). This variant is not present in population databases (gnomAD no frequency). This variant has not been reported in the literature in individuals affected with MYH14-related conditions. Advanced modeling of protein sequence and biophysical properties (such as structural, functional, and spatial information, amino acid conservation, physicochemical variation, residue mobility, and thermodynamic stability) performed at Invitae indicates that this missense variant is not expected to disrupt MYH14 protein function with a negative predictive value of 80%. In summary, the available evidence is currently insufficient to determine the role of this variant in disease. Therefore, it has been classified as a Variant of Uncertain Significance.